The following is an entry in ClinVar:

ClinVar aggregate classification (germline): Conflicting classifications of pathogenicity. Review status: criteria provided, conflicting classifications (1 of 4 stars). 11 submissions from 11 submitters: Uncertain significance (8); Likely benign (3). Last evaluated 2026-06-09.

Conditions:
BRCA2-related cancer predisposition. Identifiers: MedGen CN377758, MONDO:0700269.
Breast and/or ovarian cancer. Identifiers: MedGen CN221562.
Hereditary cancer-predisposing syndrome. Also called: Tumor predisposition; Hereditary neoplastic syndrome; Neoplastic Syndromes, Hereditary; Hereditary Cancer Syndrome. Identifiers: Orphanet 140162, MedGen C0027672, MeSH D009386, MONDO:0015356.
Hereditary breast ovarian cancer syndrome. Also called: Hereditary breast and/or ovarian cancer syndrome; Breast and ovarian cancer; Hereditary breast and ovarian cancer; BRCA1- and BRCA2-Associated Hereditary Breast and Ovarian Cancer; Hereditary breast and ovarian cancer syndrome; Hereditary breast and ovarian cancer syndrome (HBOC). Identifiers: Orphanet 145, MedGen C0677776, MeSH D061325, MONDO:0003582. Disease mechanism: loss of function.
Breast-ovarian cancer, familial, susceptibility to, 2 (BROVCA2). Also called: BRCA2 Hereditary Breast and Ovarian Cancer. Identifiers: Orphanet 145, MedGen C2675520, MONDO:0012933, OMIM 612555. Disease mechanism: loss of function.
Familial cancer of breast. Also called: Hereditary breast cancer; BREAST CANCER, FAMILIAL; hereditary breast carcinoma. Identifiers: Orphanet 227535, MedGen C0346153, MONDO:0016419, OMIM 114480. Disease mechanism: loss of function.

Allele frequency attached by ClinVar (database versions not stated): gnomAD exomes 0.00001; gnomAD 0.00002.
gnomAD v4.1: 19 of 1,613,940 alleles (0.0012%); highest among the groups gnomAD compares: Non-Finnish European, 0.0016%; no homozygotes.

Submissions (11):

German Consortium for Hereditary Breast and Ovarian Cancer, University Hospital Cologne
Classification: Likely benign for Hereditary breast ovarian cancer syndrome. Last evaluated: 2026-06-09. Review status: criteria provided, single submitter. Criteria: ClinGen BRCA2 1.2.0. Collection method: curation. Allele origin: germline.
Comment: This classification follows the ClinGen ENIGMA BRCA2 v1.2.0 classification scheme; We chose these criteria: BP4 (supporting benign): Missense variant inside a (potentially) clinically important functional domain, and no predicted impact via protein change or splicing: BayesDel no-AF score = 0.0266922 (thus < 0.18 AND SpliceAI ≤0.1)., BS3 (strong benign): Reported by two calibrated studies to exhibit protein function similar to benign control variants (Mesman (2019, PMID: 29988080) & , Richardson (2021, 33609447), Hu (2024, PMID: 38417439), Huang (2025, PMID: 39779857))

Labcorp Genetics (formerly Invitae), Labcorp
Classification: Uncertain significance for Hereditary breast ovarian cancer syndrome. Last evaluated: 2025-12-24. Review status: criteria provided, single submitter. Criteria: Invitae Variant Classification Sherloc (09022015). Collection method: clinical testing. Allele origin: germline.
Comment: This sequence change replaces aspartic acid, which is acidic and polar, with glutamic acid, which is acidic and polar, at codon 2913 of the BRCA2 protein (p.Asp2913Glu). This variant is present in population databases (rs786201996, gnomAD 0.002%). This missense change has been observed in individual(s) with breast cancer (PMID: 14955690). ClinVar contains an entry for this variant (Variation ID: 185201). Invitae Evidence Modeling incorporating data from in vitro experimental studies (PMID: 33609447) indicates that this missense variant is not expected to disrupt BRCA2 function with a negative predictive value of 95%. Experimental studies have shown that this missense change does not substantially affect BRCA2 function (PMID: 29394989, 29988080, 33609447). In summary, the available evidence is currently insufficient to determine the role of this variant in disease. Therefore, it has been classified as a Variant of Uncertain Significance.

Center for Genomic Medicine, Rigshospitalet, Copenhagen University Hospital
Classification: Likely benign. Last evaluated: 2025-03-04. Review status: criteria provided, single submitter. Criteria: ACMG Guidelines, 2015. Collection method: clinical testing. Allele origin: germline.
Comment: Classification criteria: BP4_supp+BS3_strong

Baylor Genetics
Classification: Uncertain significance for Familial cancer of breast. Last evaluated: 2023-11-29. Review status: criteria provided, single submitter. Criteria: ACMG Guidelines, 2015. Collection method: clinical testing. Allele origin: unknown.

All of Us Research Program, National Institutes of Health
Classification: Uncertain significance for Breast-ovarian cancer, familial, susceptibility to, 2. Last evaluated: 2023-11-20. Review status: criteria provided, single submitter. Criteria: ACMG Guidelines, 2015. Collection method: clinical testing. Allele origin: germline. Inheritance: Autosomal dominant inheritance. Observed: 1 variant allele, 1 heterozygote.
Comment: This missense variant replaces aspartic acid with glutamic acid at codon 2913 of the BRCA2 protein. Computational prediction is inconclusive regarding the impact of this variant on protein structure and function (internally defined REVEL score threshold 0.5 < inconclusive < 0.7, PMID: 27666373). Functional studies have shown this variant does not impact homology-directed DNA repair in cell-based assays (PMID: 29394989, 29988080, 33609447, 35736817). This variant has been reported in an individual with a personal and/or family history of breast or ovarian cancer (PMID: 15955690). In a large breast cancer case-control meta analysis conducted by the BRIDGES consortium, this variant was reported in 6/60466 cases and 3/53461 unaffected controls (PMID: 33471991; Leiden Open Variation Database DB-ID BRCA2_001066). This variant has been identified in 2/251152 chromosomes in the general population by the Genome Aggregation Database (gnomAD). The available evidence is insufficient to determine the role of this variant in disease conclusively. Therefore, this variant is classified as a Variant of Uncertain Significance.

This study involves interpretation of variants in research participants for the purpose of population health screening. Participant phenotype was not available at the time of variant classification. Additional details can be found in publication PMID: 35346344, PMCID: PMC8962531

Color Diagnostics, LLC DBA Color Health
Classification: Uncertain significance for Hereditary cancer-predisposing syndrome. Last evaluated: 2023-11-01. Review status: criteria provided, single submitter. Criteria: ACMG Guidelines, 2015. Collection method: clinical testing. Allele origin: germline.
Comment: This missense variant replaces aspartic acid with glutamic acid at codon 2913 of the BRCA2 protein. Computational prediction is inconclusive regarding the impact of this variant on protein structure and function (internally defined REVEL score threshold 0.5 < inconclusive < 0.7, PMID: 27666373). Functional studies have shown this variant does not impact homology-directed DNA repair in cell-based assays (PMID: 29394989, 29988080, 33609447, 35736817). This variant has been reported in an individual with a personal and/or family history of breast or ovarian cancer (PMID: 15955690). In a large breast cancer case-control meta analysis conducted by the BRIDGES consortium, this variant was reported in 6/60466 cases and 3/53461 unaffected controls (PMID: 33471991; Leiden Open Variation Database DB-ID BRCA2_001066). This variant has been identified in 2/251152 chromosomes in the general population by the Genome Aggregation Database (gnomAD). The available evidence is insufficient to determine the role of this variant in disease conclusively. Therefore, this variant is classified as a Variant of Uncertain Significance.

Women's Health and Genetics/Laboratory Corporation of America, LabCorp
Classification: Uncertain significance. Last evaluated: 2022-12-27. Review status: criteria provided, single submitter. Criteria: LabCorp Variant Classification Summary - May 2015. Collection method: clinical testing. Allele origin: germline.
Comment: Variant summary: BRCA2 c.8739C>G (p.Asp2913Glu) results in a conservative amino acid change in the encoded protein sequence. Two of four in-silico tools predict a benign effect of the variant on protein function. The variant allele was found at a frequency of 8e-06 in 251152 control chromosomes (gnomAD). The available data on variant occurrences in the general population are insufficient to allow any conclusion about variant significance. c.8739C>G has been reported in the literature in at least one individual affected with Breast Cancer (Warlam-Rodenhuis_2005). These report(s) do not provide unequivocal conclusions about association of the variant with Hereditary Breast And Ovarian Cancer Syndrome. Experimental evidence demonstrated the variant has protein function equal to or more than 80% compared to wild type (Mesman_2019, Richardson_2021). Four ClinVar submitters (evaluation after 2014) cite the variant as uncertain significance and one ClinVar submitter (evaluation after 2014) cites it as likely benign. Based on the evidence outlined above, the variant was classified as uncertain significance.

CHEO Genetics Diagnostic Laboratory, Children's Hospital of Eastern Ontario
Classification: Uncertain significance for Breast and/or ovarian cancer. Last evaluated: 2020-03-27. Review status: criteria provided, single submitter. Criteria: ACMG Guidelines, 2015. Collection method: clinical testing. Allele origin: germline. Study: Canadian Open Genetics Repository.

Department of Pathology and Laboratory Medicine, Sinai Health System
Classification: Uncertain significance for BRCA2-related cancer predisposition. Last evaluated: 2020-01-06. Review status: criteria provided, single submitter. Criteria: ACMG Guidelines, 2015. Collection method: clinical testing. Allele origin: germline.

Ambry Genetics
Classification: Likely benign for Hereditary cancer-predisposing syndrome. Last evaluated: 2019-12-06. Review status: criteria provided, single submitter. Criteria: Ambry Variant Classification Scheme 2023. Collection method: clinical testing. Allele origin: germline.

Quest Diagnostics Nichols Institute San Juan Capistrano
Classification: Uncertain significance for Breast-ovarian cancer, familial, susceptibility to, 2. Last evaluated: 2016-04-09. Review status: criteria provided, single submitter. Criteria: Quest Diagnostics criteria. Collection method: clinical testing. Allele origin: germline. Inheritance: Autosomal dominant inheritance.

Literature cited by the submitters: PubMed 14955690 (cited by Labcorp Genetics (formerly Invitae), Labcorp); PubMed 33609447 (cited by 4 submitters); PubMed 29394989 (cited by 5 submitters); PubMed 29988080 (cited by 6 submitters); PubMed 15955690 (cited by 4 submitters); PubMed 33471991 (cited by All of Us Research Program, National Institutes of Health and Color Diagnostics, LLC DBA Color Health); PubMed 35736817 (cited by All of Us Research Program, National Institutes of Health and Color Diagnostics, LLC DBA Color Health); PubMed 20167696 (cited by Women's Health and Genetics/Laboratory Corporation of America, LabCorp); PubMed 26295337 (cited by Quest Diagnostics Nichols Institute San Juan Capistrano).

NM_000059.4(BRCA2):c.8739C>G (p.Asp2913Glu)

Gene: BRCA2 (BRCA2 DNA repair associated; plus strand). Cytogenetic location: 13q13.1.
Variant type: single nucleotide variant.
Coding change: c.8739C>G on transcript NM_000059.4 (MANE Select); coding-DNA position 8739, C replaced by G.
Protein change: p.Asp2913Glu; replaces aspartic acid 2913 with glutamic acid.
Molecular consequence: missense variant.
Genome position (GRCh38, 1-based): chr13:32,376,776, C>G. VCF-style: chr13-32376776-C-G. GRCh37 (hg19) VCF-style: chr13-32950913-C-G.
Other names: short protein forms D2913E.
Identifiers: ClinVar variation 185201 (VCV000185201.27), dbSNP rs786201996, ClinGen allele CA025798.